The following is an entry in ClinVar:

NM_001378454.1(ALMS1):c.4605A>G (p.Gln1535=)

Gene: ALMS1 (ALMS1 centrosome and basal body associated protein; plus strand). Cytogenetic location: 2p13.1.
Variant type: single nucleotide variant.
Coding change: c.4605A>G on transcript NM_001378454.1 (MANE Select); coding-DNA position 4605, A replaced by G.
Protein change: p.Gln1535=; no amino-acid change (glutamine 1535 retained).
Molecular consequence: synonymous variant.
Genome position (GRCh38, 1-based): chr2:73,451,132, A>G. VCF-style: chr2-73451132-A-G. GRCh37 (hg19) VCF-style: chr2-73678259-A-G.
Other names: c.4602A>G (NM_015120.4); c.4608A>G, p.Gln1536= (NM_015120.4).
Identifiers: ClinVar variation 240999 (VCV000240999.37), dbSNP rs144720929, ClinGen allele CA1713729.

ClinVar aggregate classification (germline): Benign/Likely benign. Review status: criteria provided, multiple submitters, no conflicts (2 of 4 stars). 11 submissions from 11 submitters: Benign (8); Likely benign (2). 1 of the submissions does not count toward it. Last evaluated 2026-05-01.

Conditions:
Cardiovascular phenotype. Identifiers: MedGen CN230736.
Alstrom syndrome (ALMS). Identifiers: Orphanet 64, MedGen C0268425, MONDO:0008763, OMIM 203800.

Allele frequency attached by ClinVar (database versions not stated): gnomAD exomes 0.00037 and 0.00104; ExAC 0.00132; gnomAD 0.00391 and 0.00412; TOPMed 0.00406; ESP Exome Variant Server 0.00434; 1000 Genomes Project 0.00519; 1000 Genomes Project 30x 0.00562.
gnomAD v4.1: 1,155 of 1,613,796 alleles (0.072%); highest among the groups gnomAD compares: African/African-American, 1.3%; 4 homozygotes.

Submissions (11):

CeGaT Center for Human Genetics Tuebingen
Classification: Likely benign. Last evaluated: 2026-05-01. Review status: criteria provided, single submitter. Criteria: CeGaT Center For Human Genetics Tuebingen Variant Classification Criteria Version 2. Collection method: clinical testing. Allele origin: germline. Affected: yes. Observed: 3 variant alleles.
Comment: ALMS1: BP4, BP7, BS1

Labcorp Genetics (formerly Invitae), Labcorp
Classification: Benign for Alstrom syndrome. Last evaluated: 2026-02-02. Review status: criteria provided, single submitter. Criteria: Invitae Variant Classification Sherloc (09022015). Collection method: clinical testing. Allele origin: germline.

Blueprint Genetics
Classification: Likely benign. Last evaluated: 2024-11-25. Review status: criteria provided, single submitter. Criteria: ACMG Guidelines, 2015. Collection method: clinical testing. Allele origin: germline.

ARUP Laboratories, Molecular Genetics and Genomics, ARUP Laboratories
Classification: Benign for Alstrom syndrome. Last evaluated: 2024-07-22. Review status: criteria provided, single submitter. Criteria: ARUP Molecular Germline Variant Investigation Process 2024. Collection method: clinical testing. Allele origin: germline.

Genetic Services Laboratory, University of Chicago
Classification: Benign. Last evaluated: 2019-08-26. Review status: criteria provided, single submitter. Criteria: ACMG Guidelines, 2015. Collection method: clinical testing. Allele origin: germline. Affected: no.

Ambry Genetics
Classification: Benign for Cardiovascular phenotype. Last evaluated: 2018-12-26. Review status: criteria provided, single submitter. Criteria: Ambry Variant Classification Scheme 2023. Collection method: clinical testing. Allele origin: germline.

GeneDx
Classification: Benign. Last evaluated: 2018-07-25. Review status: criteria provided, single submitter. Criteria: GeneDx Variant Classification Process June 2021. Collection method: clinical testing. Allele origin: germline. Affected: yes.

Laboratory for Molecular Medicine, Mass General Brigham Personalized Medicine
Classification: Benign. Last evaluated: 2016-03-21. Review status: criteria provided, single submitter. Criteria: LMM Criteria. Collection method: clinical testing. Allele origin: germline. Observed: 1 variant allele.
Comment: p.Gln1534Gln in exon 8 of ALMS1: This variant is not expected to have clinical s ignificance because it does not alter an amino acid residue, is not located with in the splice consensus sequence, and has been identified in 1.50% (147/9796) of African chromosomes by the Exome Aggregation Consortium (ExAC; dbSNP rs144720929).

Women's Health and Genetics/Laboratory Corporation of America, LabCorp
Classification: Benign. Last evaluated: 2013-12-17. Review status: criteria provided, single submitter. Criteria: LabCorp Variant Classification Summary - May 2015. Collection method: clinical testing. Allele origin: germline.

Breakthrough Genomics
Classification: Benign. Review status: criteria provided, single submitter. Criteria: ACMG Guidelines, 2015. Collection method: not provided. Allele origin: germline. Inheritance: Autosomal recessive inheritance. Affected: yes.

Natera, Inc.
Classification: Likely benign for Alstrom syndrome. Last evaluated: 2019-12-02. Review status: no assertion criteria provided. Collection method: clinical testing. Allele origin: germline. Not counted in ClinVar's aggregate classification.